The following is an entry in ClinVar:

ClinVar aggregate classification (germline): Pathogenic (1 of 4 stars; one submission).

Conditions:
Deficiency of isobutyryl-CoA dehydrogenase. Also called: ACAD8 DEFICIENCY; IBD DEFICIENCY; ACYL-CoA DEHYDROGENASE FAMILY, MEMBER 8, DEFICIENCY OF. Identifiers: Orphanet 79159, MedGen C1969809, MONDO:0012648, OMIM 611283.

Submission:

Labcorp Genetics (formerly Invitae), Labcorp
Classification: Pathogenic for Deficiency of isobutyryl-CoA dehydrogenase. Last evaluated: 2022-08-08. Review status: criteria provided, single submitter. Criteria: Invitae Variant Classification Sherloc (09022015). Collection method: clinical testing. Allele origin: germline.
Comment: Algorithms developed to predict the effect of sequence changes on RNA splicing suggest that this variant may disrupt the consensus splice site. For these reasons, this variant has been classified as Pathogenic. ClinVar contains an entry for this variant (Variation ID: 645496). This sequence change creates a premature translational stop signal (p.Gln45*) in the ACAD8 gene. It is expected to result in an absent or disrupted protein product. Loss-of-function variants in ACAD8 are known to be pathogenic (PMID: 16857760). This variant is not present in population databases (gnomAD no frequency). This variant has not been reported in the literature in individuals affected with ACAD8-related conditions.

Literature cited by the submitters: PubMed 16857760.

NM_014384.3(ACAD8):c.133C>T (p.Gln45Ter)

Gene: ACAD8 (acyl-CoA dehydrogenase family member 8; plus strand). Cytogenetic location: 11q25.
Variant type: single nucleotide variant.
Coding change: c.133C>T on transcript NM_014384.3 (MANE Select); coding-DNA position 133, C replaced by T.
Protein change: p.Gln45Ter; replaces glutamine 45 with a stop codon.
Molecular consequence: nonsense.
Genome position (GRCh38, 1-based): chr11:134,256,571, C>T. VCF-style: chr11-134256571-C-T. GRCh37 (hg19) VCF-style: chr11-134126465-C-T.
Other names: short protein forms Q45*.
Identifiers: ClinVar variation 645496 (VCV000645496.7), dbSNP rs1591505809, ClinGen allele CA383512471.
Genomic context (GRCh38, chr11:134,256,571, plus strand): 5'-CCCTGTCCTAGAACAGTATATGCAATCCTGCCCACAGCTTCCATGGGACTTAATGAAGAG[C>T]AGAAAGAATTTCAAAAAGTGGCCTTTGACTTTGCTGCCCGAGAGATGGCTCCAAATATGG-3'